The following is an entry in ClinVar:

ClinVar aggregate classification (germline): Uncertain significance. Review status: criteria provided, multiple submitters, no conflicts (2 of 4 stars). 2 submissions from 2 submitters: Uncertain significance (2). Last evaluated 2025-06-09.

Conditions:
Hereditary cancer-predisposing syndrome. Also called: Hereditary Cancer Syndrome; Tumor predisposition; Neoplastic Syndromes, Hereditary; Hereditary neoplastic syndrome. Identifiers: Orphanet 140162, MedGen C0027672, MeSH D009386, MONDO:0015356.
Gastrointestinal stromal tumor. Also called: Gastrointestinal stromal tumor, somatic; Gastrointestinal stroma tumor. Identifiers: Orphanet 44890, MedGen C0238198, MeSH D046152, MONDO:0011719, OMIM 606764, HP:0100723.

Allele frequency attached by ClinVar (database versions not stated): gnomAD 0.00001; TOPMed 0.00001.

Submissions (2):

Labcorp Genetics (formerly Invitae), Labcorp
Classification: Uncertain significance for Gastrointestinal stromal tumor. Last evaluated: 2025-06-09. Review status: criteria provided, single submitter. Criteria: Invitae Variant Classification Sherloc (09022015). Collection method: clinical testing. Allele origin: germline.
Comment: This sequence change falls in intron 17 of the PDGFRA gene. It does not directly change the encoded amino acid sequence of the PDGFRA protein. It affects a nucleotide within the consensus splice site. This variant is present in population databases (rs753055519, gnomAD 0.002%). This variant has not been reported in the literature in individuals affected with PDGFRA-related conditions. ClinVar contains an entry for this variant (Variation ID: 578215). Variants that disrupt the consensus splice site are a relatively common cause of aberrant splicing (PMID: 17576681, 9536098). Algorithms developed to predict the effect of sequence changes on RNA splicing suggest that this variant may disrupt the consensus splice site. In summary, the available evidence is currently insufficient to determine the role of this variant in disease. Therefore, it has been classified as a Variant of Uncertain Significance.

Ambry Genetics
Classification: Uncertain significance for Hereditary cancer-predisposing syndrome. Last evaluated: 2025-01-20. Review status: criteria provided, single submitter. Criteria: Ambry Variant Classification Scheme 2023. Collection method: clinical testing. Allele origin: germline.
Comment: The c.2439+5G>T intronic variant results from a G to T substitution 5 nucleotides after coding exon 16 in the PDGFRA gene. This nucleotide position is well conserved in available vertebrate species. In silico splice site analysis predicts that this alteration will weaken the native splice donor site. Based on the available evidence, the clinical significance of this variant remains unclear.

Literature cited by the submitters: PubMed 17576681 (cited by Labcorp Genetics (formerly Invitae), Labcorp); PubMed 9536098 (cited by Labcorp Genetics (formerly Invitae), Labcorp).

NM_006206.6(PDGFRA):c.2439+5G>T

Gene: PDGFRA (platelet derived growth factor receptor alpha; plus strand). Cytogenetic location: 4q12.
Variant type: single nucleotide variant.
Coding change: c.2439+5G>T on transcript NM_006206.6 (MANE Select); 5 bases into the intron after coding-DNA position 2439, G replaced by T.
Molecular consequence: intron variant.
Genome position (GRCh38, 1-based): chr4:54,285,491, G>T. VCF-style: chr4-54285491-G-T. GRCh37 (hg19) VCF-style: chr4-55151658-G-T.
Other names: c.2514+5G>T (NM_001347828.2); c.2439+5G>T (NM_001347829.2); c.2478+5G>T (NM_001347830.2).
Identifiers: ClinVar variation 578215 (VCV000578215.10), dbSNP rs753055519, ClinGen allele CA2922855.